The following is an entry in ClinVar:

NM_019066.5(MAGEL2):c.748G>T (p.Val250Phe)

Gene: MAGEL2 (MAGE family member L2; minus strand). Cytogenetic location: 15q11.2.
Variant type: single nucleotide variant.
Coding change: c.748G>T on transcript NM_019066.5 (MANE Select); coding-DNA position 748, G replaced by T.
Protein change: p.Val250Phe; replaces valine 250 with phenylalanine.
Molecular consequence: missense variant.
Genome position (GRCh38, 1-based): chr15:23,646,995, C>A on the plus strand (G>T on the coding strand, the complement: MAGEL2 is on the minus strand). VCF-style: chr15-23646995-C-A. GRCh37 (hg19) VCF-style: chr15-23892142-C-A.
Other names: short protein forms V250F.
Identifiers: ClinVar variation 4988672 (VCV004988672.1).
Genomic context (GRCh38, chr15:23,646,995, plus strand): 5'-GGGTCATCATGGCTGCTGGAGGCGGCTGGACCATCGGTGCTCCCGGAGCAGCAGGCTGGA[C>A]CATCAGGACTCCCGGAGTCAGAGGCTGGGCCATCAGGACTCCCGGAGCTGGAGGCTGGGC-3'
Protein context (NP_061939.3, residues 240-260): AQPLTPGVLM[Val250Phe]QPAAPGAPMV

ClinVar aggregate classification (germline): Uncertain significance (1 of 4 stars; one submission).

Conditions:
MAGEL2-related disorder. Also called: MAGEL2-related condition.

Submission:

PreventionGenetics, part of Exact Sciences
Classification: Uncertain significance for MAGEL2-related condition. Last evaluated: 2025-10-06. Review status: criteria provided, single submitter. Criteria: ACMG Guidelines, 2015. Collection method: clinical testing. Allele origin: germline.
Comment: The MAGEL2 c.748G>T variant is predicted to result in the amino acid substitution p.Val250Phe. To our knowledge, this variant has not been reported in the literature or in a large population database (gnomAD), indicating this variant is rare. At this time, the clinical significance of this variant is uncertain due to the absence of conclusive functional and genetic evidence.